The following is an entry in ClinVar:

ClinVar aggregate classification (germline): Likely pathogenic (1 of 4 stars; one submission).

Conditions:
Autosomal recessive nonsyndromic hearing loss 3. Also called: NEUROSENSORY NONSYNDROMIC RECESSIVE DEAFNESS 3. Identifiers: Orphanet 90636, MedGen C1838263, MONDO:0010860, OMIM 600316.

Submission:

Institute of Rare Diseases, West China Hospital, Sichuan University
Classification: Likely pathogenic for Autosomal recessive nonsyndromic hearing loss 3. Last evaluated: 2025-01-09. Review status: criteria provided, single submitter. Criteria: ClinGen HL ACMG Specifications v1. Collection method: research. Allele origin: germline. Affected: yes.
Comment: PVS1;PM2_Supporting

NM_016239.4(MYO15A):c.9230-1G>C

Gene: MYO15A (myosin XVA; plus strand). Cytogenetic location: 17p11.2.
Variant type: single nucleotide variant.
Coding change: c.9230-1G>C on transcript NM_016239.4 (MANE Select); the canonical splice acceptor site of the intron before coding-DNA position 9230, G replaced by C.
Molecular consequence: splice acceptor variant.
Genome position (GRCh38, 1-based): chr17:18,159,605, G>C. VCF-style: chr17-18159605-G-C. GRCh37 (hg19) VCF-style: chr17-18062919-G-C.
Identifiers: ClinVar variation 3601418 (VCV003601418.1).